The following is an entry in ClinVar:

ClinVar aggregate classification (germline): Uncertain significance (1 of 4 stars; one submission).

Conditions:
Succinyl-CoA acetoacetate transferase deficiency (SCOTD). Also called: 3-Oxoacid CoA Transferase Deficiency; SCOT DEFICIENCY; SUCCINYL-CoA:3-KETOACID CoA-TRANSFERASE DEFICIENCY; Succinyl CoA:3-oxoacid CoA transferase deficiency; KETOACIDOSIS DUE TO SCOT DEFICIENCY. Identifiers: Orphanet 832, MedGen C0342792, MONDO:0009492, OMIM 245050.

Allele frequency attached by ClinVar (database versions not stated): TOPMed below 0.00001.

Submission:

Labcorp Genetics (formerly Invitae), Labcorp
Classification: Uncertain significance for Succinyl-CoA acetoacetate transferase deficiency. Last evaluated: 2024-10-24. Review status: criteria provided, single submitter. Criteria: Invitae Variant Classification Sherloc (09022015). Collection method: clinical testing. Allele origin: germline.
Comment: This sequence change replaces isoleucine, which is neutral and non-polar, with methionine, which is neutral and non-polar, at codon 172 of the OXCT1 protein (p.Ile172Met). This variant is not present in population databases (gnomAD no frequency). This variant has not been reported in the literature in individuals affected with OXCT1-related conditions. ClinVar contains an entry for this variant (Variation ID: 1998786). Invitae Evidence Modeling of protein sequence and biophysical properties (such as structural, functional, and spatial information, amino acid conservation, physicochemical variation, residue mobility, and thermodynamic stability) indicates that this missense variant is not expected to disrupt OXCT1 protein function with a negative predictive value of 80%. In summary, the available evidence is currently insufficient to determine the role of this variant in disease. Therefore, it has been classified as a Variant of Uncertain Significance.

NM_000436.4(OXCT1):c.516C>G (p.Ile172Met)

Gene: OXCT1 (3-oxoacid CoA-transferase 1; minus strand). Cytogenetic location: 5p13.1.
Variant type: single nucleotide variant.
Coding change: c.516C>G on transcript NM_000436.4 (MANE Select); coding-DNA position 516, C replaced by G.
Protein change: p.Ile172Met; replaces isoleucine 172 with methionine.
Molecular consequence: missense variant. On other transcripts: non-coding transcript variant (1).
Genome position (GRCh38, 1-based): chr5:41,850,078, G>C on the plus strand (C>G on the coding strand, the complement: OXCT1 is on the minus strand). VCF-style: chr5-41850078-G-C. GRCh37 (hg19) VCF-style: chr5-41850180-G-C.
Other names: c.537C>G, p.Ile179Met (NM_001364299.2, NM_001364300.2); c.516C>G, p.Ile172Met (NM_001364301.2, NM_001364302.2); short protein forms I179M, I172M.
Identifiers: ClinVar variation 1998786 (VCV001998786.4), dbSNP rs1749107916, ClinGen allele CA359628404.
Genomic context (GRCh38, chr5:41,850,078, plus strand): 5'-AGTGTTTCTTACCTCTCTTGGCTTACTGGCAATGGCAACACTGCCATCTTTGTTGTATTT[G>C]ATGGGCGATCCTCCTTCTTGTACCAGGGTCCCATACCCTGTTGGGGTGTAAAATGCAGGA-3'
Protein context (NP_000427.1, residues 162-182): GTLVQEGGSP[Ile172Met]KYNKDGSVAI